The following is an entry in ClinVar:

ClinVar aggregate classification (germline): Uncertain significance (1 of 4 stars; one submission).

Submission:

GeneDx
Classification: Uncertain significance. Last evaluated: 2024-08-06. Review status: criteria provided, single submitter. Criteria: GeneDx Variant Classification Process June 2021. Collection method: clinical testing. Allele origin: germline. Affected: yes.
Comment: Not observed at significant frequency in large population cohorts (gnomAD); In silico analysis supports that this missense variant has a deleterious effect on protein structure/function; Has not been previously published as pathogenic or benign to our knowledge

NM_001287491.2(TET3):c.4463G>T (p.Gly1488Val)

Gene: TET3 (tet methylcytosine dioxygenase 3; plus strand). Cytogenetic location: 2p13.1.
Variant type: single nucleotide variant.
Coding change: c.4463G>T on transcript NM_001287491.2 (MANE Select); coding-DNA position 4463, G replaced by T.
Protein change: p.Gly1488Val; replaces glycine 1488 with valine.
Molecular consequence: missense variant.
Genome position (GRCh38, 1-based): chr2:74,101,251, G>T. VCF-style: chr2-74101251-G-T. GRCh37 (hg19) VCF-style: chr2-74328378-G-T.
Other names: c.4184G>T, p.Gly1395Val (NM_001366022.1); short protein forms G1395V, G1488V.
Identifiers: ClinVar variation 3602825 (VCV003602825.1).